The following is an entry in ClinVar:

ClinVar aggregate classification (germline): Benign/Likely benign. Review status: criteria provided, multiple submitters, no conflicts (2 of 4 stars). 4 submissions from 4 submitters: Benign (1); Likely benign (2). 1 of the submissions does not count toward it. Last evaluated 2018-06-16.

Allele frequency attached by ClinVar (database versions not stated): gnomAD exomes 0.01686 and 0.01921; 1000 Genomes Project 30x 0.02701; ESP Exome Variant Server 0.02742; gnomAD 0.02803 and 0.02898; TOPMed 0.02812; ExAC 0.02832; 1000 Genomes Project 0.02895.
gnomAD v4.1: 21,973 of 1,072,728 alleles (2%); highest among the groups gnomAD compares: African/African-American, 4.9%; 340 homozygotes.

Submissions (4):

GeneDx
Classification: Likely benign. Last evaluated: 2018-06-16. Review status: criteria provided, single submitter. Criteria: GeneDx Variant Classification (06012015). Collection method: clinical testing. Allele origin: germline. Affected: yes.
Comment: This variant is considered likely benign or benign based on one or more of the following criteria: it is a conservative change, it occurs at a poorly conserved position in the protein, it is predicted to be benign by multiple in silico algorithms, and/or has population frequency not consistent with disease.

Breakthrough Genomics
Classification: Likely benign. Review status: criteria provided, single submitter. Criteria: ACMG Guidelines, 2015. Collection method: not provided. Allele origin: germline. Inheritance: Autosomal recessive inheritance. Affected: yes.

PreventionGenetics, part of Exact Sciences
Classification: Benign. Review status: criteria provided, single submitter. Criteria: ACMG Guidelines, 2015. Collection method: clinical testing. Allele origin: germline.

Genetic Services Laboratory, University of Chicago
Classification: Likely benign for AllHighlyPenetrant. Review status: no assertion criteria provided. Collection method: clinical testing. Allele origin: germline. Inheritance: Autosomal recessive inheritance. Observed: 6 variant alleles. Not counted in ClinVar's aggregate classification.
Comment: Likely benign based on allele frequency in 1000 Genomes Project or ESP global frequency and its presence in a patient with a rare or unrelated disease phenotype. NOT Sanger confirmed.

NM_025114.4(CEP290):c.297+36A>G

Gene: CEP290 (centrosomal protein 290; minus strand). Cytogenetic location: 12q21.32.
Variant type: single nucleotide variant.
Coding change: c.297+36A>G on transcript NM_025114.4 (MANE Select); 36 bases into the intron after coding-DNA position 297, A replaced by G.
Molecular consequence: intron variant.
Genome position (GRCh38, 1-based): chr12:88,139,109, T>C on the plus strand (A>G on the coding strand, the complement: CEP290 is on the minus strand). VCF-style: chr12-88139109-T-C. GRCh37 (hg19) VCF-style: chr12-88532886-T-C.
Identifiers: ClinVar variation 126254 (VCV000126254.8), dbSNP rs45468703, ClinGen allele CA150903.